The following is an entry in ClinVar:

ClinVar aggregate classification (germline): Conflicting classifications of pathogenicity. Review status: criteria provided, conflicting classifications (1 of 4 stars). 2 submissions from 2 submitters: Uncertain significance (1); Likely benign (1). Last evaluated 2025-12-28.

Conditions:
TTN-related disorder. Also called: TTN-related disorders; TTN-related condition; TTN-related disease.

gnomAD v4.1: 30 of 1,612,898 alleles (0.0019%); highest among the groups gnomAD compares: Non-Finnish European, 0.0025%; no homozygotes.

Submissions (2):

PreventionGenetics, part of Exact Sciences
Classification: Uncertain significance for TTN-related condition. Last evaluated: 2025-12-28. Review status: criteria provided, single submitter. Criteria: ACMG Guidelines, 2015. Collection method: clinical testing. Allele origin: germline.
Comment: The TTN c.13041C>G variant is predicted to result in the amino acid substitution p.Ser4347Arg. This variant has been reported in an individual with dilated cardiomyopathy (Table S6, Haas et al. 2015. PubMed ID: 25163546). This variant is reported in 0.0054% of alleles in individuals of East Asian descent in gnomAD. At this time, the clinical significance of this variant is uncertain due to the absence of conclusive functional and genetic evidence.

Blueprint Genetics
Classification: Likely benign. Last evaluated: 2023-06-07. Review status: criteria provided, single submitter. Criteria: ACMG Guidelines, 2015. Collection method: clinical testing. Allele origin: germline.

NM_001267550.2(TTN):c.11311+3765C>G

Gene: TTN (titin; minus strand). Cytogenetic location: 2q31.2.
Variant type: single nucleotide variant.
Coding change: c.11311+3765C>G on transcript NM_001267550.2 (MANE Select); 3765 bases into the intron after coding-DNA position 11311, C replaced by G.
Molecular consequence: intron variant. On other transcripts: missense variant (1).
Genome position (GRCh38, 1-based): chr2:178,749,359, G>C on the plus strand (C>G on the coding strand, the complement: TTN is on the minus strand). VCF-style: chr2-178749359-G-C. GRCh37 (hg19) VCF-style: chr2-179614086-G-C.
Other names: c.13041C>G, p.Ser4347Arg (NM_133379.5); c.10222+3765C>G (NM_003319.4); c.10798+3765C>G (NM_133437.4); c.10597+3765C>G (NM_133432.3); c.10360+3765C>G (NM_133378.4, NM_001256850.1); short protein forms S4347R.
Identifiers: ClinVar variation 4958732 (VCV004958732.2).